The following is an entry in ClinVar:

NM_005076.5(CNTN2):c.820C>T (p.Arg274Cys)

Gene: CNTN2 (contactin 2; plus strand). Cytogenetic location: 1q32.1.
Variant type: single nucleotide variant.
Coding change: c.820C>T on transcript NM_005076.5 (MANE Select); coding-DNA position 820, C replaced by T.
Protein change: p.Arg274Cys; replaces arginine 274 with cysteine.
Molecular consequence: missense variant. On other transcripts: non-coding transcript variant (1).
Genome position (GRCh38, 1-based): chr1:205,061,267, C>T. VCF-style: chr1-205061267-C-T. GRCh37 (hg19) VCF-style: chr1-205030395-C-T.
Other names: c.820C>T, p.Arg274Cys (NM_001346083.2); short protein forms R274C.
Identifiers: ClinVar variation 474491 (VCV000474491.6), dbSNP rs1473353987, ClinGen allele CA344409111.

ClinVar aggregate classification (germline): Uncertain significance (1 of 4 stars; one submission).

Conditions:
Epilepsy, familial adult myoclonic, 5 (EPEO5). Also called: CORTICAL MYOCLONIC TREMOR WITH EPILEPSY, FAMILIAL, 5. Identifiers: Orphanet 86814, MedGen C3809374, MONDO:0014167, OMIM 615400.

Submission:

Labcorp Genetics (formerly Invitae), Labcorp
Classification: Uncertain significance for Epilepsy, familial adult myoclonic, 5. Last evaluated: 2021-09-02. Review status: criteria provided, single submitter. Criteria: Invitae Variant Classification Sherloc (09022015). Collection method: clinical testing. Allele origin: germline.
Comment: This sequence change replaces arginine with cysteine at codon 274 of the CNTN2 protein (p.Arg274Cys). The arginine residue is highly conserved and there is a large physicochemical difference between arginine and cysteine. This variant is not present in population databases (ExAC no frequency). This variant has not been reported in the literature in individuals affected with CNTN2-related conditions. Algorithms developed to predict the effect of missense changes on protein structure and function (SIFT, PolyPhen-2, Align-GVGD) all suggest that this variant is likely to be disruptive. In summary, the available evidence is currently insufficient to determine the role of this variant in disease. Therefore, it has been classified as a Variant of Uncertain Significance.